The following is an entry in ClinVar:

ClinVar aggregate classification (germline): Pathogenic. Review status: reviewed by expert panel (3 of 4 stars). 7 submissions from 7 submitters: Pathogenic (1). 6 of the submissions do not count toward it. Last evaluated 2016-10-18.

Conditions:
Hereditary breast ovarian cancer syndrome. Also called: Hereditary breast and ovarian cancer syndrome (HBOC); Breast and ovarian cancer; Hereditary breast and ovarian cancer syndrome; Hereditary breast and ovarian cancer; BRCA1- and BRCA2-Associated Hereditary Breast and Ovarian Cancer; Hereditary breast and/or ovarian cancer syndrome. Identifiers: Orphanet 145, MedGen C0677776, MeSH D061325, MONDO:0003582. Disease mechanism: loss of function.
Hereditary cancer-predisposing syndrome. Also called: Hereditary Cancer Syndrome; Neoplastic Syndromes, Hereditary; Hereditary neoplastic syndrome; Tumor predisposition. Identifiers: Orphanet 140162, MedGen C0027672, MeSH D009386, MONDO:0015356.
Breast-ovarian cancer, familial, susceptibility to, 1 (BROVCA1). Also called: BRCA1 Hereditary Breast and Ovarian Cancer; OVARIAN CANCER, SUSCEPTIBILITY TO. Identifiers: Orphanet 145, MedGen C2676676, MONDO:0011450, OMIM 604370. Disease mechanism: loss of function.

Submissions (7):

Evidence-based Network for the Interpretation of Germline Mutant Alleles (ENIGMA)
Classification: Pathogenic for Breast-ovarian cancer, familial, susceptibility to, 1. Last evaluated: 2016-10-18. Review status: reviewed by expert panel. Criteria: ENIGMA BRCA1/2 Classification Criteria (2015). Collection method: curation. Allele origin: germline.
Comment: Variant allele predicted to encode a truncated non-functional protein.

Baylor Genetics
Classification: Pathogenic for Breast-ovarian cancer, familial, susceptibility to, 1. Last evaluated: 2024-01-22. Review status: criteria provided, single submitter. Criteria: ACMG Guidelines, 2015. Collection method: clinical testing. Allele origin: unknown. Not counted in ClinVar's aggregate classification.

Labcorp Genetics (formerly Invitae), Labcorp
Classification: Pathogenic for Hereditary breast ovarian cancer syndrome. Last evaluated: 2023-03-04. Review status: criteria provided, single submitter. Criteria: Invitae Variant Classification Sherloc (09022015). Collection method: clinical testing. Allele origin: germline. Not counted in ClinVar's aggregate classification.
Comment: For these reasons, this variant has been classified as Pathogenic. ClinVar contains an entry for this variant (Variation ID: 266311). This premature translational stop signal has been observed in individual(s) with personal and/or family history of breast and/or ovarian cancer (PMID: 27062684). This variant is not present in population databases (gnomAD no frequency). This sequence change creates a premature translational stop signal (p.Ser955Ilefs*16) in the BRCA1 gene. It is expected to result in an absent or disrupted protein product. Loss-of-function variants in BRCA1 are known to be pathogenic (PMID: 20104584).

Ambry Genetics
Classification: Pathogenic for Hereditary cancer-predisposing syndrome. Last evaluated: 2019-05-10. Review status: criteria provided, single submitter. Criteria: Ambry Variant Classification Scheme 2023. Collection method: clinical testing. Allele origin: germline. Not counted in ClinVar's aggregate classification.
Comment: The c.2861dupT pathogenic mutation, located in coding exon 9 of the BRCA1 gene, results from a duplication of T at nucleotide position 2861, causing a translational frameshift with a predicted alternate stop codon (p.S955Ifs*16). This alteration was identified in a large, worldwide study of BRCA1/2 mutation positive families (Rebbeck TR et al. Hum. Mutat. 2018 05;39:593-620). This alteration is expected to result in loss of function by premature protein truncation or nonsense-mediated mRNA decay. As such, this alteration is interpreted as a disease-causing mutation.

Women's Health and Genetics/Laboratory Corporation of America, LabCorp
Classification: Likely pathogenic for Hereditary breast and ovarian cancer syndrome. Last evaluated: 2018-09-25. Review status: criteria provided, single submitter. Criteria: LabCorp Variant Classification Summary - May 2015. Collection method: clinical testing. Allele origin: germline. Not counted in ClinVar's aggregate classification.
Comment: Variant summary: BRCA1 c.2861dupT (p.Ser955IlefsX16) results in a premature termination codon, predicted to cause a truncation of the encoded protein or absence of the protein due to nonsense mediated decay, which are commonly known mechanisms for disease. Truncations downstream of this position have been classified as pathogenic by our laboratory (eg. c.2864C>A, p.Ser955X; c.2868delT, p.Gln957fsX43; c.2901_2902dupTC, p.Pro968fsX33). The variant was absent in 246124 control chromosomes (gnomAD). The variant, c.2861dupT, has been reported in the literature in one family affected with Hereditary Breast and Ovarian Cancer (Azzollini_2016). These data do not allow any conclusion about variant significance. To our knowledge, no experimental evidence demonstrating an impact on protein function has been reported. Three clinical diagnostic laboratories have submitted clinical-significance assessments for this variant to ClinVar after 2014 without evidence for independent evaluation. All laboratories classified the variant as pathogenic. Based on the evidence outlined above, the variant was classified as likely pathogenic.

GeneDx
Classification: Pathogenic. Last evaluated: 2017-12-26. Review status: criteria provided, single submitter. Criteria: GeneDx Variant Classification (06012015). Collection method: clinical testing. Allele origin: germline. Affected: yes. Not counted in ClinVar's aggregate classification.
Comment: This duplication of one nucleotide in BRCA1 is denoted c.2861dupT at the cDNA level and p.Ser955IlefsX16 (S955IfsX16) at the protein level. The normal sequence, with the base that is duplicated in brackets, is TGTC[dupT]ATCA. The duplication causes a frameshift which changes a Serine to an Isoleucine at codon 955, and creates a premature stop codon at position 16 of the new reading frame. Although this variant has not, to our knowledge, been reported in the literature, it is predicted to cause loss of normal protein function through either protein truncation or nonsense-mediated mRNA decay. We consider this variant to be pathogenic.

Consortium of Investigators of Modifiers of BRCA1/2 (CIMBA), c/o University of Cambridge
Classification: Pathogenic for Breast-ovarian cancer, familial, susceptibility to, 1. Last evaluated: 2015-10-02. Review status: criteria provided, single submitter. Criteria: CIMBA Mutation Classification guidelines May 2016. Collection method: clinical testing. Allele origin: germline. Not counted in ClinVar's aggregate classification.

Literature cited by the submitters: PubMed 27062684 (cited by Labcorp Genetics (formerly Invitae), Labcorp and Women's Health and Genetics/Laboratory Corporation of America, LabCorp); PubMed 20104584 (cited by Labcorp Genetics (formerly Invitae), Labcorp); PubMed 29446198 (cited by Ambry Genetics).

NM_007294.4(BRCA1):c.2861dup (p.Ser955fs)

Gene: BRCA1 (BRCA1 DNA repair associated; minus strand). Cytogenetic location: 17q21.31.
Variant type: Duplication.
Coding change: c.2861dup on transcript NM_007294.4 (MANE Select); coding-DNA position 2861, one base duplicated (T; older notation c.2861dupT).
Protein change: p.Ser955fs; shifts the reading frame from serine 955.
Molecular consequence: frameshift variant. On other transcripts: intron variant (137).
Genome position (GRCh38, 1-based): chr17:43,092,670, A duplicated on the plus strand (T on the coding strand, the reverse complement: BRCA1 is on the minus strand). VCF-style (leftmost placement, unchanged base first): chr17-43092669-T-TA. GRCh37 (hg19) VCF-style: chr17-41244686-T-TA.
Other names: 2980dupT; c.2861dupT (NM_007294.3); c.2738dup, p.Ser914fs (NM_001407668.1, NM_001407669.1, NM_001407674.1 and 19 more transcripts); c.2735dup, p.Ser913fs (NM_001407670.1, NM_001407671.1, NM_001407672.1 and 11 more transcripts); c.2861dup, p.Ser955fs (NM_001407684.1, NM_001407854.1, NM_001407858.1 and 30 more transcripts); c.2720dup, p.Ser908fs (NM_001407692.1, NM_001407694.1, NM_001407695.1 and 29 more transcripts); c.2717dup, p.Ser907fs (NM_001407740.1, NM_001407741.1, NM_001407742.1 and 20 more transcripts); c.2648dup, p.Ser884fs (NM_001407853.1, NM_001407894.1, NM_001407895.1 and 9 more transcripts); and 43 more; short protein forms S908fs, S955fs, S659fs, S843fs, S867fs, S914fs, S787fs, S827fs.
Identifiers: ClinVar variation 266311 (VCV000266311.21), dbSNP rs886040079, ClinGen allele CA10589806.